The following is an entry in ClinVar:

ClinVar aggregate classification (germline): Uncertain significance. Review status: criteria provided, multiple submitters, no conflicts (2 of 4 stars). 2 submissions from 2 submitters: Uncertain significance (2). Last evaluated 2025-11-28.

Conditions:
Autosomal recessive limb-girdle muscular dystrophy type 2J (LGMDR10). Also called: Limb-girdle muscular dystrophy, type 2J; MUSCULAR DYSTROPHY, LIMB-GIRDLE, AUTOSOMAL RECESSIVE 10. Identifiers: Orphanet 140922, MedGen C1837342, MONDO:0012127, OMIM 608807.
Dilated cardiomyopathy 1G (CMD1G). Identifiers: Orphanet 154, MedGen C1858763, MONDO:0011400, OMIM 604145.

Allele frequency attached by ClinVar (database versions not stated): gnomAD exomes below 0.00001; TOPMed 0.00001.
gnomAD v4.1: 1 of 1,613,306 alleles (0.000062%); highest among the groups gnomAD compares: Non-Finnish European, 0.000085%; no homozygotes.

Submissions (2):

Labcorp Genetics (formerly Invitae), Labcorp
Classification: Uncertain significance for Dilated cardiomyopathy 1G; Autosomal recessive limb-girdle muscular dystrophy type 2J. Last evaluated: 2025-11-28. Review status: criteria provided, single submitter. Criteria: Invitae Variant Classification Sherloc (09022015). Collection method: clinical testing. Allele origin: germline.
Comment: This sequence change affects codon 691 of the TTN mRNA. It is a 'silent' change, meaning that it does not change the encoded amino acid sequence of the TTN protein. This variant is not present in population databases (gnomAD no frequency). This variant has not been reported in the literature in individuals affected with TTN-related conditions. ClinVar contains an entry for this variant (Variation ID: 466883). Algorithms developed to predict the effect of sequence changes on RNA splicing suggest that this variant may disrupt the consensus splice site. This variant is located in the Z band of TTN (PMID: 25589632). Non-truncating variants in this region may be clinically relevant, but have not been definitively shown to cause cardiomyopathy or neuromuscular disease (PMID: 27493940, 32778822). In summary, the available evidence is currently insufficient to determine the role of this variant in disease. Therefore, it has been classified as a Variant of Uncertain Significance.

Institute for Medical Genetics and Human Genetics, Charité - Universitätsmedizin Berlin
Classification: Uncertain significance for Autosomal recessive limb-girdle muscular dystrophy type 2J. Last evaluated: 2022-09-27. Review status: criteria provided, single submitter. Criteria: ACMG Guidelines, 2015. Collection method: clinical testing. Allele origin: germline. Inheritance: Autosomal recessive inheritance. Affected: yes. Observed: 1 compound heterozygote.

Literature cited by the submitters: PubMed 25589632 (cited by Labcorp Genetics (formerly Invitae), Labcorp); PubMed 27493940 (cited by Labcorp Genetics (formerly Invitae), Labcorp); PubMed 32778822 (cited by Labcorp Genetics (formerly Invitae), Labcorp).

NM_001267550.2(TTN):c.2073A>T (p.Gly691=)

Gene: TTN (titin; minus strand). Cytogenetic location: 2q31.2.
Variant type: single nucleotide variant.
Coding change: c.2073A>T on transcript NM_001267550.2 (MANE Select); coding-DNA position 2073, A replaced by T.
Protein change: p.Gly691=; no amino-acid change (glycine 691 retained).
Molecular consequence: synonymous variant.
Genome position (GRCh38, 1-based): chr2:178,789,363, T>A on the plus strand (A>T on the coding strand, the complement: TTN is on the minus strand). VCF-style: chr2-178789363-T-A. GRCh37 (hg19) VCF-style: chr2-179654090-T-A.
Other names: c.2073A>T, p.Gly691= (NM_001256850.1, NM_133378.4, NM_133379.5); c.1935A>T, p.Gly645= (NM_003319.4, NM_133432.3, NM_133437.4).
Identifiers: ClinVar variation 466883 (VCV000466883.12), dbSNP rs72647860, ClinGen allele CA60983828.